The following is an entry in ClinVar:

ClinVar aggregate classification (germline): Uncertain significance. Review status: criteria provided, multiple submitters, no conflicts (2 of 4 stars). 3 submissions from 3 submitters: Uncertain significance (3). Last evaluated 2025-07-29.

Conditions:
Cardiovascular phenotype. Identifiers: MedGen CN230736.
Hypertrophic cardiomyopathy 12. Identifiers: MedGen C2677491, MONDO:0012804, OMIM 612124.
Dilated cardiomyopathy 1M (CMD1M). Identifiers: Orphanet 154, MedGen C1843808, MONDO:0011840, OMIM 607482.

Allele frequency attached by ClinVar (database versions not stated): gnomAD 0.00001; gnomAD exomes 0.00001; ExAC 0.00002; TOPMed 0.00001.
gnomAD v4.1: 13 of 1,613,094 alleles (0.00081%); highest among the groups gnomAD compares: African/African-American, 0.0013%; no homozygotes.

Submissions (3):

Labcorp Genetics (formerly Invitae), Labcorp
Classification: Uncertain significance for Hypertrophic cardiomyopathy 12; Dilated cardiomyopathy 1M. Last evaluated: 2025-07-29. Review status: criteria provided, single submitter. Criteria: Invitae Variant Classification Sherloc (09022015). Collection method: clinical testing. Allele origin: germline.
Comment: This sequence change replaces isoleucine, which is neutral and non-polar, with methionine, which is neutral and non-polar, at codon 56 of the CSRP3 protein (p.Ile56Met). This variant is present in population databases (rs767360228, gnomAD 0.007%). This variant has not been reported in the literature in individuals affected with CSRP3-related conditions. ClinVar contains an entry for this variant (Variation ID: 944590). An algorithm developed to predict the effect of missense changes on protein structure and function (PolyPhen-2) suggests that this variant is likely to be disruptive. In summary, the available evidence is currently insufficient to determine the role of this variant in disease. Therefore, it has been classified as a Variant of Uncertain Significance.

Ambry Genetics
Classification: Uncertain significance for Cardiovascular phenotype. Last evaluated: 2025-07-02. Review status: criteria provided, single submitter. Criteria: Ambry Variant Classification Scheme 2023. Collection method: clinical testing. Allele origin: germline.
Comment: The p.I56M variant (also known as c.168C>G), located in coding exon 2 of the CSRP3 gene, results from a C to G substitution at nucleotide position 168. The isoleucine at codon 56 is replaced by methionine, an amino acid with highly similar properties. In a cohort of individuals referred for hypertrophic cardiomyopathy, this variant was reported as heterozygous in one individual and as homozygous in another individual (Janin A et al. Mol Diagn Ther, 2021 May;25:373-385). This amino acid position is conserved. In addition, this alteration is predicted to be deleterious by in silico analysis. Based on the available evidence, the clinical significance of this variant remains unclear.

Fulgent Genetics
Classification: Uncertain significance for Dilated cardiomyopathy 1M; Hypertrophic cardiomyopathy 12. Last evaluated: 2021-08-27. Review status: criteria provided, single submitter. Criteria: ACMG Guidelines, 2015. Collection method: clinical testing. Allele origin: unknown.

Literature cited by the submitters: PubMed 33954932 (cited by Ambry Genetics).

NM_003476.5(CSRP3):c.168C>G (p.Ile56Met)

Gene: CSRP3 (cysteine and glycine rich protein 3; minus strand). Cytogenetic location: 11p15.1.
Variant type: single nucleotide variant.
Coding change: c.168C>G on transcript NM_003476.5 (MANE Select); coding-DNA position 168, C replaced by G.
Protein change: p.Ile56Met; replaces isoleucine 56 with methionine.
Molecular consequence: missense variant. On other transcripts: intron variant (1).
Genome position (GRCh38, 1-based): chr11:19,188,249, G>C on the plus strand (C>G on the coding strand, the complement: CSRP3 is on the minus strand). VCF-style: chr11-19188249-G-C. GRCh37 (hg19) VCF-style: chr11-19209796-G-C.
Other names: c.113-1901C>G (NM_001369404.1); c.168C>G (NM_003476.3); short protein forms I56M.
Identifiers: ClinVar variation 944590 (VCV000944590.11), dbSNP rs767360228, ClinGen allele CA5916632.
Genomic context (GRCh38, chr11:19,188,249, plus strand): 5'-GCCTTGTCCATACCCGATCCCTTTGGGGCCATATCTGCGCCCATAGCACACCTTGCAGTA[G>C]ATCTCCGACTCATGAGCCGCGACTGTCGTGCTGTCAAGAGCCTTCCTGCAGGCCACTGCC-3'
Protein context (NP_003467.1, residues 46-66): STTVAAHESE[Ile56Met]YCKVCYGRRY